The following is an entry in ClinVar:

ClinVar aggregate classification (germline): Uncertain significance. Review status: criteria provided, single submitter (1 of 4 stars). 2 submissions from 2 submitters: Uncertain significance (1). 1 of the submissions does not count toward it. Last evaluated 2018-01-24.

Conditions:
Galactosemia. Also called: Galactose intolerance. Identifiers: Orphanet 352, MedGen C0016952, MONDO:0018116, HP:0004919. Disease mechanism: loss of function.
Deficiency of UDPglucose-hexose-1-phosphate uridylyltransferase. Also called: GALACTOSEMIA I; Transferase Deficiency Galactosemia; GALACTOSE-1-PHOSPHATE URIDYLYLTRANSFERASE DEFICIENCY; GALT deficiency; Galactosemia, classic. Identifiers: Orphanet 352, Orphanet 79239, MedGen C0268151, MONDO:0009258, OMIM 230400.

Submissions (2):

Labcorp Genetics (formerly Invitae), Labcorp
Classification: Uncertain significance for Deficiency of UDPglucose-hexose-1-phosphate uridylyltransferase. Last evaluated: 2018-01-24. Review status: criteria provided, single submitter. Criteria: Invitae Variant Classification Sherloc (09022015). Collection method: clinical testing. Allele origin: germline.
Comment: Algorithms developed to predict the effect of missense changes on protein structure and function do not agree on the potential impact of this missense change (SIFT: "Deleterious"; PolyPhen-2: "Possibly Damaging"; Align-GVGD: "Class C0"). In summary, the available evidence is currently insufficient to determine the role of this variant in disease. Therefore, it has been classified as a Variant of Uncertain Significance. Another missense variant at this codon (p.Ala276Asn) has been reported in an individual affected with decreased GALT activity (PMID: 25124065). This variant has not been reported in the literature in individuals with GALT-related disease. This variant is not present in population databases (ExAC no frequency). This sequence change replaces alanine with glycine at codon 276 of the GALT protein (p.Ala276Gly). The alanine residue is highly conserved and there is a small physicochemical difference between alanine and glycine.

Natera, Inc.
Classification: Uncertain significance for Galactosemia. Last evaluated: 2025-04-05. Review status: no assertion criteria provided. Collection method: clinical testing. Allele origin: germline. Not counted in ClinVar's aggregate classification.

Literature cited by the submitters: PubMed 25124065 (cited by Labcorp Genetics (formerly Invitae), Labcorp).

NM_000155.4(GALT):c.827C>G (p.Ala276Gly)

Gene: GALT (galactose-1-phosphate uridylyltransferase; plus strand). Cytogenetic location: 9p13.3.
Variant type: single nucleotide variant.
Coding change: c.827C>G on transcript NM_000155.4 (MANE Select); coding-DNA position 827, C replaced by G.
Protein change: p.Ala276Gly; replaces alanine 276 with glycine.
Molecular consequence: missense variant.
Genome position (GRCh38, 1-based): chr9:34,649,004, C>G. VCF-style: chr9-34649004-C-G. GRCh37 (hg19) VCF-style: chr9-34649001-C-G.
Other names: c.500C>G, p.Ala167Gly (NM_001258332.2); short protein forms A276G, A167G.
Identifiers: ClinVar variation 573371 (VCV000573371.10), dbSNP rs1564102003, ClinGen allele CA373284167.